The following is an entry in ClinVar:

ClinVar aggregate classification (germline): Uncertain significance (1 of 4 stars; one submission).

Conditions:
Developmental and epileptic encephalopathy, 23 (DEE23). Also called: Epileptic encephalopathy, early infantile, 23. Identifiers: Orphanet 411986, MedGen C4014492, MONDO:0014371, OMIM 615859.

Allele frequency attached by ClinVar (database versions not stated): TOPMed below 0.00001; gnomAD 0.00001; gnomAD exomes 0.00001.
gnomAD v4.1: 12 of 1,614,082 alleles (0.00074%); highest among the groups gnomAD compares: Non-Finnish European, 0.001%; no homozygotes.

Submission:

Labcorp Genetics (formerly Invitae), Labcorp
Classification: Uncertain significance for Developmental and epileptic encephalopathy, 23. Last evaluated: 2022-08-16. Review status: criteria provided, single submitter. Criteria: Invitae Variant Classification Sherloc (09022015). Collection method: clinical testing. Allele origin: germline.
Comment: This sequence change replaces leucine, which is neutral and non-polar, with serine, which is neutral and polar, at codon 1354 of the DOCK7 protein (p.Leu1354Ser). This variant is present in population databases (no rsID available, gnomAD 0.0009%). This variant has not been reported in the literature in individuals affected with DOCK7-related conditions. Algorithms developed to predict the effect of missense changes on protein structure and function (SIFT, PolyPhen-2, Align-GVGD) all suggest that this variant is likely to be tolerated. In summary, the available evidence is currently insufficient to determine the role of this variant in disease. Therefore, it has been classified as a Variant of Uncertain Significance.

NM_001367561.1(DOCK7):c.4061T>C (p.Leu1354Ser)

Gene: DOCK7 (dedicator of cytokinesis 7; minus strand). Cytogenetic location: 1p31.3.
Variant type: single nucleotide variant.
Coding change: c.4061T>C on transcript NM_001367561.1 (MANE Select); coding-DNA position 4061, T replaced by C.
Protein change: p.Leu1354Ser; replaces leucine 1354 with serine.
Molecular consequence: missense variant.
Genome position (GRCh38, 1-based): chr1:62,513,774, A>G on the plus strand (T>C on the coding strand, the complement: DOCK7 is on the minus strand). VCF-style: chr1-62513774-A-G. GRCh37 (hg19) VCF-style: chr1-62979445-A-G.
Other names: c.4061T>C, p.Leu1354Ser (NM_001271999.2, NM_001330614.2); c.3968T>C, p.Leu1323Ser (NM_001272000.2, NM_001272001.2, NM_033407.4); short protein forms L1323S, L1354S.
Identifiers: ClinVar variation 1895511 (VCV001895511.2), dbSNP rs984969445, ClinGen allele CA23783644.